The following is an entry in ClinVar:

ClinVar aggregate classification (germline): Likely pathogenic. Review status: criteria provided, multiple submitters, no conflicts (2 of 4 stars). 4 submissions from 4 submitters: Likely pathogenic (3). 1 of the submissions does not count toward it. Last evaluated 2024-05-23.

Conditions:
DGKE-related disorder. Also called: DGKE-related condition.
Immunoglobulin-mediated membranoproliferative glomerulonephritis. Also called: Nephrotic syndrome, type 7; NEPHROTIC SYNDROME, TYPE 7, WITH MEMBRANOPROLIFERATIVE GLOMERULONEPHRITIS. Identifiers: Orphanet 329903, MedGen C3554330, MONDO:0014005, OMIM 615008.

Submissions (4):

Clinical Genomics Laboratory, Washington University in St. Louis
Classification: Likely pathogenic for Immunoglobulin-mediated membranoproliferative glomerulonephritis. Last evaluated: 2024-05-23. Review status: criteria provided, single submitter. Criteria: ACMG Guidelines, 2015. Collection method: clinical testing. Allele origin: germline. Affected: yes.
Comment: The DGKE c.1442dup (p.Val482Serfs*16) variant was identified. This variant, to our knowledge, has not been reported in the medical literature. This variant is only observed on 10/1,614,188 alleles in the general population (gnomAD v.4.1.0), indicating it is not a common variant. This variant has been reported in the ClinVar database as a germline likely pathogenic variant by multiple submitters (ClinVar ID: 635453). The DGKE c.1442dup (p.Val482Serfs*16) variant causes a frameshift by duplicating one nucleotide, leading to a premature termination codon, which is predicted to lead to nonsense mediated decay. Based on available information and the ACMG/AMP guidelines for variant interpretation (Richards S et al., PMID: 25741868), the DGKE c.1442dup (p.Val482Serfs*16) variant is classified as likely pathogenic.

PreventionGenetics, part of Exact Sciences
Classification: Likely pathogenic for DGKE-related condition. Last evaluated: 2023-05-11. Review status: criteria provided, single submitter. Criteria: ACMG Guidelines, 2015. Collection method: clinical testing. Allele origin: germline.
Comment: The DGKE c.1442dupG variant is predicted to result in a frameshift and premature protein termination (p.Val482Serfs*16). To our knowledge, this variant is not reported in the literature. This variant is reported in 0.00088% of alleles in individuals of European (Non-Finnish) descent in gnomAD. Frameshift variants in DGKE are expected to be pathogenic. This variant is interpreted as likely pathogenic.

Fulgent Genetics
Classification: Likely pathogenic for Immunoglobulin-mediated membranoproliferative glomerulonephritis. Last evaluated: 2021-07-01. Review status: criteria provided, single submitter. Criteria: ACMG Guidelines, 2015. Collection method: clinical testing. Allele origin: unknown.

Bioscientia Institut fuer Medizinische Diagnostik GmbH, Sonic Healthcare
Classification: Likely pathogenic for Immunoglobulin-mediated membranoproliferative glomerulonephritis. Last evaluated: 2018-12-03. Review status: no assertion criteria provided. Collection method: clinical testing. Allele origin: germline. Affected: yes. Not counted in ClinVar's aggregate classification.

NM_003647.3(DGKE):c.1442dup (p.Val482fs)

Gene: DGKE (diacylglycerol kinase epsilon; plus strand). Cytogenetic location: 17q22.
Variant type: Duplication.
Coding change: c.1442dup on transcript NM_003647.3 (MANE Select); coding-DNA position 1442, one base duplicated (G; older notation c.1442dupG).
Protein change: p.Val482fs; shifts the reading frame from valine 482.
Molecular consequence: frameshift variant.
Genome position (GRCh38, 1-based): chr17:56,862,169, G duplicated; the last of 2 consecutive G bases (chr17:56,862,168-56,862,169); duplicating either gives the same sequence. VCF-style (leftmost placement, unchanged base first): chr17-56862167-T-TG. GRCh37 (hg19) VCF-style: chr17-54939528-T-TG.
Other names: c.1442dupG (NM_003647.2); short protein forms V482fs.
Identifiers: ClinVar variation 635453 (VCV000635453.5), dbSNP rs1567825026, ClinGen allele CA626704169.